The following is an entry in ClinVar:

NM_001365951.3(KIF1B):c.1766A>G (p.Asn589Ser)

Gene: KIF1B (kinesin family member 1B; plus strand). Cytogenetic location: 1p36.22.
Variant type: single nucleotide variant.
Coding change: c.1766A>G on transcript NM_001365951.3 (MANE Select); coding-DNA position 1766, A replaced by G.
Protein change: p.Asn589Ser; replaces asparagine 589 with serine.
Molecular consequence: missense variant.
Genome position (GRCh38, 1-based): chr1:10,295,755, A>G. VCF-style: chr1-10295755-A-G. GRCh37 (hg19) VCF-style: chr1-10355813-A-G.
Other names: c.1766A>G, p.Asn589Ser (NM_001365952.1); c.1628A>G, p.Asn543Ser (NM_001365953.1, NM_015074.3, NM_183416.4); short protein forms N589S, N543S.
Identifiers: ClinVar variation 1776734 (VCV001776734.3), dbSNP rs2521391305, ClinGen allele CA338315217.

ClinVar aggregate classification (germline): Uncertain significance (1 of 4 stars; one submission).

Submission:

Ambry Genetics
Classification: Uncertain significance. Last evaluated: 2025-05-06. Review status: criteria provided, single submitter. Criteria: Ambry Variant Classification Scheme 2023. Collection method: clinical testing. Allele origin: germline.
Comment: The p.N543S variant (also known as c.1628A>G), located in coding exon 16 of the KIF1B gene, results from an A to G substitution at nucleotide position 1628. The asparagine at codon 543 is replaced by serine, an amino acid with highly similar properties. This amino acid position is conserved. In addition, this alteration is predicted to be tolerated by in silico analysis. Since supporting evidence is limited at this time, the clinical significance of this alteration remains unclear.